The following is an entry in ClinVar:

ClinVar aggregate classification (germline): Uncertain significance. Review status: criteria provided, multiple submitters, no conflicts (2 of 4 stars). 4 submissions from 4 submitters: Uncertain significance (3). 1 of the submissions does not count toward it. Last evaluated 2025-10-09.

Conditions:
Inborn genetic diseases. Identifiers: MedGen C0950123, MeSH D030342.

Allele frequency attached by ClinVar (database versions not stated): ExAC 0.00004; gnomAD 0.00005 and 0.00006; gnomAD exomes 0.00005 and 0.00008; TOPMed 0.00007.

Submissions (4):

Labcorp Genetics (formerly Invitae), Labcorp
Classification: Uncertain significance. Last evaluated: 2025-10-09. Review status: criteria provided, single submitter. Criteria: Invitae Variant Classification Sherloc (09022015). Collection method: clinical testing. Allele origin: germline.
Comment: This sequence change replaces glycine, which is neutral and non-polar, with arginine, which is basic and polar, at codon 217 of the THPO protein (p.Gly217Arg). This variant is present in population databases (rs748880497, gnomAD 0.01%). This variant has not been reported in the literature in individuals affected with THPO-related conditions. ClinVar contains an entry for this variant (Variation ID: 1049409). An algorithm developed to predict the effect of missense changes on protein structure and function (PolyPhen-2) suggests that this variant is likely to be disruptive. In summary, the available evidence is currently insufficient to determine the role of this variant in disease. Therefore, it has been classified as a Variant of Uncertain Significance.

Ambry Genetics
Classification: Uncertain significance for Inborn genetic diseases. Last evaluated: 2025-09-10. Review status: criteria provided, single submitter. Criteria: Ambry Variant Classification Scheme 2023. Collection method: clinical testing. Allele origin: germline.

Blueprint Genetics
Classification: Uncertain significance. Last evaluated: 2024-11-15. Review status: criteria provided, single submitter. Criteria: ACMG Guidelines, 2015. Collection method: clinical testing. Allele origin: germline.

Department of Pathology and Laboratory Medicine, Sinai Health System
Classification: Uncertain significance. Review status: no assertion criteria provided. Collection method: clinical testing. Allele origin: unknown. Affected: yes. Study: The Canadian Open Genetics Repository (COGR). Not counted in ClinVar's aggregate classification.
Comment: The THPO p.W211* variant was not identified in the literature nor was it identified in ClinVar. The variant was identified in dbSNP (ID: rs748880497) and in control databases in 12 of 251388 chromosomes at a frequency of 0.00004773 (Genome Aggregation Database March 6, 2019, v2.1.1). The c.632G>A variant leads to a premature stop codon at position 211 of the NM_001177598 transcript. The canonical stop codon of the NM_001177598 transcript occurs at codon 320, therefore this variant may escape nonsense mediated decay. Further, on the primary THPO transcript (NM_000460) this variant occurs at position c.649G>A (p.G217R), and is not predicted to result in loss of function. In summary, based on the above information the clinical significance of this variant cannot be determined with certainty at this time. This variant is classified as a variant of uncertain significance.

NM_000460.4(THPO):c.649G>A (p.Gly217Arg)

Gene: THPO (thrombopoietin; minus strand). Cytogenetic location: 3q27.1.
Variant type: single nucleotide variant.
Coding change: c.649G>A on transcript NM_000460.4 (MANE Select); coding-DNA position 649, G replaced by A.
Protein change: p.Gly217Arg; replaces glycine 217 with arginine.
Molecular consequence: missense variant. On other transcripts: nonsense (4).
Genome position (GRCh38, 1-based): chr3:184,372,926, C>T on the plus strand (G>A on the coding strand, the complement: THPO is on the minus strand). VCF-style: chr3-184372926-C-T. GRCh37 (hg19) VCF-style: chr3-184090714-C-T.
Other names: c.637G>A, p.Gly213Arg (NM_001177597.2, NM_001290022.1); c.632G>A, p.Trp211Ter (NM_001177598.2, NM_001290026.1); c.533G>A, p.Trp178Ter (NM_001289997.1, NM_001290027.1); c.649G>A, p.Gly217Arg (NM_001289998.1, NM_001290028.1); c.1069G>A, p.Gly357Arg (NM_001290003.1); c.649G>A (NM_000460.2); short protein forms G213R, G217R, G357R, W178*, W211*.
Identifiers: ClinVar variation 1049409 (VCV001049409.11), dbSNP rs748880497, ClinGen allele CA2734898.
Genomic context (GRCh38, chr3:184,372,926, plus strand): 5'-AGGTTTGGTTCAGCAGACCAGGAATCTTGGCTCTGAATCCCTGCTGCCACTTCAGAAGCC[C>T]AGAGCCAGTAGTTCTGGCTGAGGCAGTGAAGTTTGTCTCCAACAATCCAGAAGTCCTGTT-3'
Protein context (NP_000451.1, residues 207-227): FTASARTTGS[Gly217Arg]LLKWQQGFRA